The following is an entry in ClinVar:

NM_004423.4(DVL3):c.1995dup (p.Met666fs)

Gene: DVL3 (dishevelled segment polarity protein 3; plus strand). Cytogenetic location: 3q27.1.
Variant type: Duplication.
Coding change: c.1995dup on transcript NM_004423.4 (MANE Select); coding-DNA position 1995, one base duplicated (C; older notation c.1995dupC).
Protein change: p.Met666fs; shifts the reading frame from methionine 666.
Molecular consequence: frameshift variant.
Genome position (GRCh38, 1-based): chr3:184,170,599, C duplicated; the last of 7 consecutive C bases (chr3:184,170,593-184,170,599); duplicating any one gives the same sequence. VCF-style (leftmost placement, unchanged base first): chr3-184170592-G-GC. GRCh37 (hg19) VCF-style: chr3-183888380-G-GC.
Other names: short protein forms M666fs.
Identifiers: ClinVar variation 1707066 (VCV001707066.2), dbSNP rs771967735, ClinGen allele CA2727559.
Genomic context (GRCh38, chr3:184,170,592, plus strand): 5'-GCCTTCGCAGCCACCACACACACCCGAGCTACGGTCCTCCCGGAGTGCCCCCTCTCTACG[G>GC]CCCCCCCATGCTGATGATGCCCCCGCCGCCCGCGGCCATGGGGCCCCCAGGAGCCCCTCC-3'

ClinVar aggregate classification (germline): Uncertain significance (1 of 4 stars; one submission).

Submission:

GeneDx
Classification: Uncertain significance. Last evaluated: 2022-03-25. Review status: criteria provided, single submitter. Criteria: GeneDx Variant Classification Process June 2021. Collection method: clinical testing. Allele origin: germline. Affected: yes.
Comment: Frameshift variant predicted to result in protein truncation in a gene for which loss of function is a known mechanism of disease; Has not been previously published as pathogenic or benign to our knowledge